The following is an entry in ClinVar:

NM_001170629.2(CHD8):c.2626C>T (p.Arg876Ter)

Gene: CHD8 (chromodomain helicase DNA binding protein 8; minus strand). Cytogenetic location: 14q11.2.
Variant type: single nucleotide variant.
Coding change: c.2626C>T on transcript NM_001170629.2 (MANE Select); coding-DNA position 2626, C replaced by T.
Protein change: p.Arg876Ter; replaces arginine 876 with a stop codon.
Molecular consequence: nonsense.
Genome position (GRCh38, 1-based): chr14:21,408,416, G>A on the plus strand (C>T on the coding strand, the complement: CHD8 is on the minus strand). VCF-style: chr14-21408416-G-A. GRCh37 (hg19) VCF-style: chr14-21876575-G-A.
Other names: c.1789C>T, p.Arg597Ter (NM_020920.4); short protein forms R597*, R876*.
Identifiers: ClinVar variation 489322 (VCV000489322.3), dbSNP rs1555315679, ClinGen allele CA388875695.

ClinVar aggregate classification (germline): Pathogenic. Review status: criteria provided, multiple submitters, no conflicts (2 of 4 stars). 2 submissions from 2 submitters: Pathogenic (2). Last evaluated 2025-07-13.

Submissions (2):

Labcorp Genetics (formerly Invitae), Labcorp
Classification: Pathogenic. Last evaluated: 2025-07-13. Review status: criteria provided, single submitter. Criteria: Invitae Variant Classification Sherloc (09022015). Collection method: clinical testing. Allele origin: germline.
Comment: This sequence change creates a premature translational stop signal (p.Arg876*) in the CHD8 gene. It is expected to result in an absent or disrupted protein product. Loss-of-function variants in CHD8 are known to be pathogenic (PMID: 24998929, 26789910). This variant is not present in population databases (gnomAD no frequency). This variant has not been reported in the literature in individuals affected with CHD8-related conditions. ClinVar contains an entry for this variant (Variation ID: 489322). Algorithms developed to predict the effect of sequence changes on RNA splicing suggest that this variant may disrupt the consensus splice site. For these reasons, this variant has been classified as Pathogenic.

GeneDx
Classification: Pathogenic. Last evaluated: 2019-08-27. Review status: criteria provided, single submitter. Criteria: GeneDx Variant Classification Process June 2021. Collection method: clinical testing. Allele origin: germline. Affected: yes.
Comment: Nonsense variant predicted to result in protein truncation or nonsense mediated decay in a gene for which loss-of-function is a known mechanism of disease; Not observed in large population cohorts (Lek et al., 2016); Has not been previously published as pathogenic or benign to our knowledge

Literature cited by the submitters: PubMed 24998929 (cited by Labcorp Genetics (formerly Invitae), Labcorp); PubMed 26789910 (cited by Labcorp Genetics (formerly Invitae), Labcorp).